The following is an entry in ClinVar:

NM_000379.4(XDH):c.1041C>T (p.Ser347=)

Gene: XDH (xanthine dehydrogenase; minus strand). Cytogenetic location: 2p23.1.
Variant type: single nucleotide variant.
Coding change: c.1041C>T on transcript NM_000379.4 (MANE Select); coding-DNA position 1041, C replaced by T.
Protein change: p.Ser347=; no amino-acid change (serine 347 retained).
Molecular consequence: synonymous variant.
Genome position (GRCh38, 1-based): chr2:31,381,724, G>A on the plus strand (C>T on the coding strand, the complement: XDH is on the minus strand). VCF-style: chr2-31381724-G-A. GRCh37 (hg19) VCF-style: chr2-31604590-G-A.
Identifiers: ClinVar variation 749384 (VCV000749384.7), dbSNP rs375950132, ClinGen allele CA1599367.

ClinVar aggregate classification (germline): Likely benign. Review status: criteria provided, multiple submitters, no conflicts (2 of 4 stars). 3 submissions from 3 submitters: Likely benign (2). 1 of the submissions does not count toward it. Last evaluated 2025-02-25.

Conditions:
Xanthinuria type II. Also called: Xanthine dehydrogenase and aldehyde oxidase combined deficiency of; XDH and AOX dual deficiency. Identifiers: Orphanet 3467, Orphanet 93602, MedGen C1863688, MONDO:0011346, OMIM 603592.
XDH-related disorder. Also called: XDH-related condition.

Allele frequency attached by ClinVar (database versions not stated): gnomAD below 0.00001 and 0.00003; TOPMed below 0.00001; ESP Exome Variant Server 0.00008; gnomAD exomes 0.00013; ExAC 0.00018; 1000 Genomes Project 0.00020; 1000 Genomes Project 30x 0.00062.
gnomAD v4.1: 99 of 1,612,780 alleles (0.0061%); highest among the groups gnomAD compares: South Asian, 0.074%; no homozygotes.

Submissions (3):

Labcorp Genetics (formerly Invitae), Labcorp
Classification: Likely benign for Xanthinuria type II. Last evaluated: 2025-02-25. Review status: criteria provided, single submitter. Criteria: Invitae Variant Classification Sherloc (09022015). Collection method: clinical testing. Allele origin: germline.

Blueprint Genetics
Classification: Likely benign. Last evaluated: 2024-05-28. Review status: criteria provided, single submitter. Criteria: ACMG Guidelines, 2015. Collection method: clinical testing. Allele origin: germline.

PreventionGenetics, part of Exact Sciences
Classification: Likely benign for XDH-related condition. Last evaluated: 2024-06-15. Review status: no assertion criteria provided. Collection method: clinical testing. Allele origin: germline. Not counted in ClinVar's aggregate classification.
Comment: This variant is classified as likely benign based on ACMG/AMP sequence variant interpretation guidelines (Richards et al. 2015 PMID: 25741868, with internal and published modifications).